The following is an entry in ClinVar:

ClinVar aggregate classification (germline): Pathogenic (1 of 4 stars; one submission).

Submission:

Labcorp Genetics (formerly Invitae), Labcorp
Classification: Pathogenic. Last evaluated: 2019-11-27. Review status: criteria provided, single submitter. Criteria: Invitae Variant Classification Sherloc (09022015). Collection method: clinical testing. Allele origin: germline.
Comment: For these reasons, this variant has been classified as Pathogenic. Loss-of-function variants in SLC12A3 are known to be pathogenic (PMID: 20848653, 22009145, 25841442). This variant has not been reported in the literature in individuals with SLC12A3-related conditions. This variant is an out-of-frame deletion of the genomic region encompassing exon(s) 15-17 of the SLC12A3 gene. This is expected to create a premature translational stop signal and result in an absent or disrupted protein product.

Literature cited by the submitters: PubMed 20848653; PubMed 22009145; PubMed 25841442.

NC_000016.10:g.(?_56885255)_(56887103_?)del

Gene: SLC12A3 (solute carrier family 12 member 3; plus strand). Cytogenetic location: 16q13.
Variant type: Deletion.
Identifiers: ClinVar variation 830384 (VCV000830384.5).